The following is an entry in ClinVar:

NM_206933.4(USH2A):c.8851C>T (p.Gln2951Ter)

Gene: USH2A (usherin; minus strand). Cytogenetic location: 1q41.
Variant type: single nucleotide variant.
Coding change: c.8851C>T on transcript NM_206933.4 (MANE Select); coding-DNA position 8851, C replaced by T.
Protein change: p.Gln2951Ter; replaces glutamine 2951 with a stop codon.
Molecular consequence: nonsense.
Genome position (GRCh38, 1-based): chr1:215,846,028, G>A on the plus strand (C>T on the coding strand, the complement: USH2A is on the minus strand). VCF-style: chr1-215846028-G-A. GRCh37 (hg19) VCF-style: chr1-216019370-G-A.
Other names: short protein forms Q2951*.
Identifiers: ClinVar variation 4817160 (VCV004817160.2).

ClinVar aggregate classification (germline): Likely pathogenic. Review status: criteria provided, multiple submitters, no conflicts (2 of 4 stars). 2 submissions from 2 submitters: Likely pathogenic (2). Last evaluated 2024-12-03.

Conditions:
USH2A-related disorder. Also called: USH2A-related condition; USH2A-related disorders. Identifiers: MedGen CN239332.
Usher syndrome type 2A. Also called: USHER SYNDROME, TYPE IIA; RETINAL DISEASE IN USHER SYNDROME TYPE IIA, MODIFIER OF. Identifiers: Orphanet 231178, Orphanet 886, MedGen C1848634, MONDO:0010169, OMIM 276901.

gnomAD v4.1: 2 of 1,608,872 alleles (0.00012%); highest among the groups gnomAD compares: African/African-American, 0.0013%; no homozygotes.

Submissions (2):

Natera, Inc.
Classification: Likely pathogenic for Usher syndrome type 2A. Last evaluated: 2024-12-03. Review status: criteria provided, single submitter. Criteria: Natera Variant Classification Schema (03/2026). Collection method: clinical testing. Allele origin: germline.
Comment: The c.8851C>T variant in USH2A is a nonsense variant predicted to introduce a stop codon at amino acid 2951. This variant is expected to result in nonsense mediated decay, truncation, or a dysfunctional protein product. This variant is rare in the general population with a frequency below the threshold expected for the associated phenotype(s). Given the available evidence, this variant is classified as Likely Pathogenic.

Blueprint Genetics
Classification: Likely pathogenic for USH2A-related disorders. Last evaluated: 2024-11-04. Review status: criteria provided, single submitter. Criteria: ACMG Guidelines, 2015. Collection method: clinical testing. Allele origin: germline. Affected: yes. Observed: 4 variant alleles.